The following is an entry in ClinVar:

NM_001042492.3(NF1):c.3665del (p.Pro1222fs)

Gene: NF1 (neurofibromin 1; plus strand). Cytogenetic location: 17q11.2.
Variant type: Deletion.
Coding change: c.3665del on transcript NM_001042492.3 (MANE Select); coding-DNA position 3665, one base deleted (C; older notation c.3665delC).
Protein change: p.Pro1222fs; shifts the reading frame from proline 1222.
Molecular consequence: frameshift variant.
Genome position (GRCh38, 1-based): chr17:31,233,170, C deleted; the last of 3 consecutive C bases (chr17:31,233,168-31,233,170); deleting any one gives the same sequence. VCF-style (leftmost placement, unchanged base first): chr17-31233167-TC-T. GRCh37 (hg19) VCF-style: chr17-29560185-TC-T.
Other names: c.3665delC (NM_000267.3); c.3665delC, p.Pro1222Leufs (NM_000267.4); short protein forms P1222fs.
Identifiers: ClinVar variation 431627 (VCV000431627.19), dbSNP rs867391752, ClinGen allele CA289338290.

ClinVar aggregate classification (germline): Pathogenic. Review status: criteria provided, multiple submitters, no conflicts (2 of 4 stars). 7 submissions from 7 submitters: Pathogenic (6). 1 of the submissions does not count toward it. Last evaluated 2025-02-05.

Conditions:
Hereditary cancer-predisposing syndrome. Also called: Hereditary neoplastic syndrome; Tumor predisposition; Neoplastic Syndromes, Hereditary; Hereditary Cancer Syndrome. Identifiers: Orphanet 140162, MedGen C0027672, MeSH D009386, MONDO:0015356.
Cardiovascular phenotype. Identifiers: MedGen CN230736.
Neurofibromatosis, type 1 (NF1). Also called: Neurofibromatosis, type I; NEUROFIBROMATOSIS, TYPE I, SOMATIC; Peripheral type neurofibromatosis; VON RECKLINGHAUSEN DISEASE. Identifiers: Orphanet 636, MedGen C0027831, MONDO:0018975, OMIM 162200. Disease mechanism: loss of function.

Submissions (7):

Ambry Genetics
Classification: Pathogenic for Cardiovascular phenotype; Hereditary cancer-predisposing syndrome. Last evaluated: 2025-02-05. Review status: criteria provided, single submitter. Criteria: Ambry Variant Classification Scheme 2023. Collection method: clinical testing. Allele origin: germline.
Comment: The c.3665delC pathogenic mutation, located in coding exon 27 of the NF1 gene, results from a deletion of one nucleotide at nucleotide position 3665, causing a translational frameshift with a predicted alternate stop codon (p.P1222Lfs*2). This variant was reported in individual(s) with features consistent with neurofibromatosis type 1 (Riva M et al. Genes Chromosomes Cancer. 2022 Jan;61:10-21; Ambry internal data). This variant is considered to be rare based on population cohorts in the Genome Aggregation Database (gnomAD). In addition to the clinical data presented in the literature, this alteration is expected to result in loss of function by premature protein truncation or nonsense-mediated mRNA decay. As such, this alteration is interpreted as a disease-causing mutation.

Labcorp Genetics (formerly Invitae), Labcorp
Classification: Pathogenic for Neurofibromatosis, type 1. Last evaluated: 2024-04-17. Review status: criteria provided, single submitter. Criteria: Invitae Variant Classification Sherloc (09022015). Collection method: clinical testing. Allele origin: germline.
Comment: This sequence change creates a premature translational stop signal (p.Pro1222Leufs*2) in the NF1 gene. It is expected to result in an absent or disrupted protein product. Loss-of-function variants in NF1 are known to be pathogenic (PMID: 10712197, 23913538). This variant is not present in population databases (gnomAD no frequency). This premature translational stop signal has been observed in individual(s) with neurofibromatosis type 1 (PMID: 28961165). In at least one individual the variant was observed to be de novo. ClinVar contains an entry for this variant (Variation ID: 431627). For these reasons, this variant has been classified as Pathogenic.

GeneDx
Classification: Pathogenic. Last evaluated: 2023-08-29. Review status: criteria provided, single submitter. Criteria: GeneDx Variant Classification Process June 2021. Collection method: clinical testing. Allele origin: germline. Affected: yes.
Comment: Frameshift variant predicted to result in protein truncation or nonsense mediated decay in a gene for which loss-of-function is a known mechanism of disease; Not observed at significant frequency in large population cohorts (gnomAD); This variant is associated with the following publications: (PMID: 34427956, 28961165)

St. Jude Molecular Pathology, St. Jude Children's Research Hospital
Classification: Pathogenic for Neurofibromatosis, type 1. Last evaluated: 2022-07-15. Review status: criteria provided, single submitter. Criteria: St. Jude Assertion Criteria 2020. Collection method: clinical testing. Allele origin: germline. Affected: yes.
Comment: The NF1 c.3665del (p.Pro1222LeufsTer2) change deletes 1 nucleotide in exon 27 of the NF1 gene to cause a frameshift and the creation of a premature stop codon. This change is predicted to cause protein truncation or absence of the protein due to nonsense-mediated decay. This variant is absent in gnomAD v2.1.1. This variant has been observed in individuals with neurofibromatosis type 1 (PMID: 28961165, internal data). In one case, the variant was determined to be de novo in the affected individual (PMID: 28961165). Loss-of-function variants in NF1 are known to be pathogenic (PMID: 9003501, 10712197). In summary, this variant meets criteria to be classified as pathogenic.

Genome-Nilou Lab
Classification: Pathogenic for Neurofibromatosis, type 1. Last evaluated: 2022-03-15. Review status: criteria provided, single submitter. Criteria: ACMG Guidelines, 2015. Collection method: clinical testing. Allele origin: germline. Affected: no.

ARUP Laboratories, Molecular Genetics and Genomics, ARUP Laboratories
Classification: Pathogenic. Last evaluated: 2018-12-12. Review status: criteria provided, single submitter. Criteria: ARUP Molecular Germline Variant Investigation Process. Collection method: clinical testing. Allele origin: germline.
Comment: The NF1 c.3665delC; p.Pro1222fs variant (rs867391752) has been described in at least one individual affected with neurofibromatosis type 1 (Bonatti 2017). It is reported as pathogenic by one laboratory in ClinVar (Variation ID: 431627) and is absent from general population databases (1000 Genomes Project, Exome Variant Server, and Genome Aggregation Database), indicating it is not a common polymorphism. This variant creates a frameshift by deleting a single nucleotide, so it is predicted to result in a truncated protein or mRNA subject to nonsense-mediated decay. Based on available information, this variant is considered pathogenic. References: Bonatti F et al. Patterns of Novel Alleles and Genotype/Phenotype Correlations Resulting from the Analysis of 108 Previously Undetected Mutations in Patients Affected by Neurofibromatosis Type I. Int J Mol Sci. 2017 Sep 29;18(10).

Medical Genetics, University of Parma
Classification: Pathogenic for Neurofibromatosis type 1. Last evaluated: 2017-02-02. Review status: no assertion criteria provided. Collection method: clinical testing. Allele origin: germline. Affected: yes. Not counted in ClinVar's aggregate classification.

Literature cited by the submitters: PubMed 34427956 (cited by Ambry Genetics); PubMed 10712197 (cited by Labcorp Genetics (formerly Invitae), Labcorp); PubMed 23913538 (cited by Labcorp Genetics (formerly Invitae), Labcorp); PubMed 28961165 (cited by Labcorp Genetics (formerly Invitae), Labcorp).